The following is an entry in ClinVar:

NM_003183.6(ADAM17):c.1643G>A (p.Cys548Tyr)

Genes: ADAM17 (ADAM metallopeptidase domain 17; minus strand), IAH1 (isoamyl acetate hydrolyzing esterase 1 (putative); plus strand). Cytogenetic location: 2p25.1.
Variant type: single nucleotide variant.
Coding change: c.1643G>A on transcript NM_003183.6 (MANE Select); coding-DNA position 1643, G replaced by A.
Protein change: p.Cys548Tyr; replaces cysteine 548 with tyrosine.
Molecular consequence: missense variant.
Genome position (GRCh38, 1-based): chr2:9,502,178, C>T on the plus strand (G>A on the coding strand, the complement: ADAM17 is on the minus strand). VCF-style: chr2-9502178-C-T. GRCh37 (hg19) VCF-style: chr2-9642307-C-T.
Other names: c.983G>A, p.Cys328Tyr (NM_001382777.1); c.746G>A, p.Cys249Tyr (NM_001382778.1); short protein forms C249Y, C328Y, C548Y.
Identifiers: ClinVar variation 1004749 (VCV001004749.7), dbSNP rs1663042903, ClinGen allele CA345776435.

ClinVar aggregate classification (germline): Uncertain significance (1 of 4 stars; one submission).

Conditions:
Inflammatory skin and bowel disease, neonatal, 1. Identifiers: Orphanet 294023, MedGen C3280501, MONDO:0013693, OMIM 614328.

Submission:

Labcorp Genetics (formerly Invitae), Labcorp
Classification: Uncertain significance for Inflammatory skin and bowel disease, neonatal, 1. Last evaluated: 2020-01-31. Review status: criteria provided, single submitter. Criteria: Invitae Variant Classification Sherloc (09022015). Collection method: clinical testing. Allele origin: germline.
Comment: This sequence change replaces cysteine with tyrosine at codon 548 of the ADAM17 protein (p.Cys548Tyr). The cysteine residue is highly conserved and there is a large physicochemical difference between cysteine and tyrosine. This variant is not present in population databases (ExAC no frequency). This variant has not been reported in the literature in individuals with ADAM17-related conditions. Algorithms developed to predict the effect of missense changes on protein structure and function are either unavailable or do not agree on the potential impact of this missense change (SIFT: "Not Available"; PolyPhen-2: "Probably Damaging"; Align-GVGD: "Not Available"). In summary, the available evidence is currently insufficient to determine the role of this variant in disease. Therefore, it has been classified as a Variant of Uncertain Significance.